The following is an entry in ClinVar:

ClinVar aggregate classification (germline): Uncertain significance (1 of 4 stars; one submission).

Conditions:
Intellectual disability-microcephaly-strabismus-behavioral abnormalities syndrome. Also called: White-Sutton Syndrome. Identifiers: Orphanet 468678, MedGen C4225351, MONDO:0014606, OMIM 616364.

Submission:

Neuberg Centre For Genomic Medicine, NCGM
Classification: Uncertain significance for Intellectual disability-microcephaly-strabismus-behavioral abnormalities syndrome. Review status: criteria provided, single submitter. Criteria: ACMG Guidelines, 2015. Collection method: clinical testing. Allele origin: germline. Affected: yes.
Comment: The missense variant p.T82R in POGZ (NM_015100.4) has not been reported previously as a pathogenic variant nor as a benign variant, to our knowledge. The p.T82R variant is novel (not in any individuals) in gnomAD Exomes and is novel (not in any individuals) in 1000 Genomes. There is a moderate physicochemical difference between threonine and arginine. In silico tools are contradictory in their predictions (SIFT-damaging, Polyphen- Tolerated) and the residue is conserved across species. For these reasons, this variant has been classified as Uncertain Significance

NM_015100.4(POGZ):c.245C>G (p.Thr82Arg)

Gene: POGZ (pogo transposable element derived with ZNF domain; minus strand). Cytogenetic location: 1q21.3.
Variant type: single nucleotide variant.
Coding change: c.245C>G on transcript NM_015100.4 (MANE Select); coding-DNA position 245, C replaced by G.
Protein change: p.Thr82Arg; replaces threonine 82 with arginine.
Molecular consequence: missense variant. On other transcripts: intron variant (2).
Genome position (GRCh38, 1-based): chr1:151,440,966, G>C on the plus strand (C>G on the coding strand, the complement: POGZ is on the minus strand). VCF-style: chr1-151440966-G-C. GRCh37 (hg19) VCF-style: chr1-151413442-G-C.
Other names: c.245C>G, p.Thr82Arg (NM_001194937.2, NM_145796.4); c.266C>G, p.Thr89Arg (NM_001410860.1); c.124+1115C>G (NM_001194938.2, NM_207171.2); short protein forms T82R, T89R.
Identifiers: ClinVar variation 1878658 (VCV001878658.1), dbSNP rs2529678767, ClinGen allele CA341985535.
Genomic context (GRCh38, chr1:151,440,966, plus strand): 5'-ATTTCCCAATAATCCCACTTACCATTGTTGTTGGCAATTAGTGTGACAAGAGTCTTCTTT[G>C]TACTGTCGCTGTTCTGTGCCCCGCTGCTACTAACGGTGGTGGATGTAGAGAGGTGCCCAG-3'
Protein context (NP_055915.2, residues 72-92): SSSGAQNSDS[Thr82Arg]KKTLVTLIAN